The following is an entry in ClinVar:

ClinVar aggregate classification (germline): Uncertain significance (1 of 4 stars; one submission).

Conditions:
Congenital neutropenia-myelofibrosis-nephromegaly syndrome. Also called: Severe congenital neutropenia 5, autosomal recessive. Identifiers: Orphanet 369852, MedGen C3809031, MONDO:0014118, OMIM 615285.

Submission:

Labcorp Genetics (formerly Invitae), Labcorp
Classification: Uncertain significance for Congenital neutropenia-myelofibrosis-nephromegaly syndrome. Last evaluated: 2024-02-27. Review status: criteria provided, single submitter. Criteria: Invitae Variant Classification Sherloc (09022015). Collection method: clinical testing. Allele origin: germline.
Comment: This sequence change replaces methionine, which is neutral and non-polar, with isoleucine, which is neutral and non-polar, at codon 407 of the VPS45 protein (p.Met407Ile). This variant is not present in population databases (gnomAD no frequency). This variant has not been reported in the literature in individuals affected with VPS45-related conditions. Advanced modeling of protein sequence and biophysical properties (such as structural, functional, and spatial information, amino acid conservation, physicochemical variation, residue mobility, and thermodynamic stability) performed at Invitae indicates that this missense variant is not expected to disrupt VPS45 protein function with a negative predictive value of 80%. In summary, the available evidence is currently insufficient to determine the role of this variant in disease. Therefore, it has been classified as a Variant of Uncertain Significance.

NM_007259.5(VPS45):c.1221G>A (p.Met407Ile)

Gene: VPS45 (vacuolar protein sorting 45 homolog; plus strand). Cytogenetic location: 1q21.2.
Variant type: single nucleotide variant.
Coding change: c.1221G>A on transcript NM_007259.5 (MANE Select); coding-DNA position 1221, G replaced by A.
Protein change: p.Met407Ile; replaces methionine 407 with isoleucine.
Molecular consequence: missense variant. On other transcripts: non-coding transcript variant (1).
Genome position (GRCh38, 1-based): chr1:150,092,053, G>A. VCF-style: chr1-150092053-G-A. GRCh37 (hg19) VCF-style: chr1-150064147-G-A.
Other names: c.906G>A, p.Met302Ile (NM_001279353.2); c.1113G>A, p.Met371Ile (NM_001279354.2); short protein forms M371I, M407I, M302I.
Identifiers: ClinVar variation 3642286 (VCV003642286.2).